The following is an entry in ClinVar:

ClinVar aggregate classification (germline): Uncertain significance (1 of 4 stars; one submission).

Conditions:
Brugada syndrome 4 (BRGDA4). Identifiers: Orphanet 130, MedGen C2678477, MONDO:0012743, OMIM 611876.

gnomAD v4.1: 1 of 1,614,110 alleles (0.000062%); highest among the groups gnomAD compares: Admixed American, 0.0017%; no homozygotes.

Submission:

Labcorp Genetics (formerly Invitae), Labcorp
Classification: Uncertain significance for Brugada syndrome 4. Last evaluated: 2020-12-03. Review status: criteria provided, single submitter. Criteria: Invitae Variant Classification Sherloc (09022015). Collection method: clinical testing. Allele origin: germline.
Comment: This sequence change replaces proline with alanine at codon 192 of the CACNB2 protein (p.Pro192Ala). The proline residue is highly conserved and there is a small physicochemical difference between proline and alanine. This variant is not present in population databases (ExAC no frequency). This variant has not been reported in the literature in individuals with CACNB2-related conditions. Algorithms developed to predict the effect of missense changes on protein structure and function (SIFT, PolyPhen-2, Align-GVGD) all suggest that this variant is likely to be tolerated, but these predictions have not been confirmed by published functional studies and their clinical significance is uncertain. In summary, the available evidence is currently insufficient to determine the role of this variant in disease. Therefore, it has been classified as a Variant of Uncertain Significance.

NM_201596.3(CACNB2):c.736C>G (p.Pro246Ala)

Gene: CACNB2 (calcium voltage-gated channel auxiliary subunit beta 2; plus strand). Cytogenetic location: 10p12.31.
Variant type: single nucleotide variant.
Coding change: c.736C>G on transcript NM_201596.3 (MANE Select); coding-DNA position 736, C replaced by G.
Protein change: p.Pro246Ala; replaces proline 246 with alanine.
Molecular consequence: missense variant. On other transcripts: intron variant (5).
Genome position (GRCh38, 1-based): chr10:18,514,301, C>G. VCF-style: chr10-18514301-C-G. GRCh37 (hg19) VCF-style: chr10-18803230-C-G.
Other names: c.571C>G, p.Pro191Ala (NM_000724.4); c.592C>G, p.Pro198Ala (NM_201570.3); c.652C>G, p.Pro218Ala (NM_201571.4); c.574C>G, p.Pro192Ala (NM_201590.3); c.587-210C>G (NM_001167945.2); c.587-679C>G (NM_201572.4); c.671-210C>G (NM_201593.3); c.671-679C>G (NM_201597.3); and 1 more; short protein forms P198A, P191A, P192A, P246A, P218A.
Identifiers: ClinVar variation 1467925 (VCV001467925.8), dbSNP rs2051061080, ClinGen allele CA376060641.
Genomic context (GRCh38, chr10:18,514,301, plus strand): 5'-GACATAGATGCTACTGGCTTAGATGCAGAAGAAAATGATATTCCAGCAAACCACCGCTCC[C>G]CTAAACCCAGTGCAAACAGTGTAACGTCACCCCACTCCAAAGAGAAAAGAATGCCCTTCT-3'
Protein context (NP_963890.2, residues 236-256): ENDIPANHRS[Pro246Ala]KPSANSVTSP